The following is an entry in ClinVar:

NM_001211.6(BUB1B):c.2921A>G (p.Asp974Gly)

Genes: BUB1B (BUB1 mitotic checkpoint serine/threonine kinase B; plus strand), BUB1B-PAK6 (BUB1B-PAK6 readthrough; plus strand). Cytogenetic location: 15q15.1.
Variant type: single nucleotide variant.
Coding change: c.2921A>G on transcript NM_001211.6 (MANE Select); coding-DNA position 2921, A replaced by G.
Protein change: p.Asp974Gly; replaces aspartic acid 974 with glycine.
Molecular consequence: missense variant. On other transcripts: intron variant (2).
Genome position (GRCh38, 1-based): chr15:40,218,526, A>G. VCF-style: chr15-40218526-A-G. GRCh37 (hg19) VCF-style: chr15-40510727-A-G.
Other names: c.-201+859A>G (NM_001128628.3); c.-118+859A>G (NM_001128629.3); short protein forms D974G.
Identifiers: ClinVar variation 4755102 (VCV004755102.1).

ClinVar aggregate classification (germline): Uncertain significance (1 of 4 stars; one submission).

Conditions:
Mosaic variegated aneuploidy syndrome 1 (MVA1). Also called: Warburton-Anyane-Yeboa syndrome. Identifiers: Orphanet 1052, MedGen C1850343, MONDO:0009759, OMIM 257300.

Submission:

Labcorp Genetics (formerly Invitae), Labcorp
Classification: Uncertain significance for Mosaic variegated aneuploidy syndrome 1. Last evaluated: 2025-03-11. Review status: criteria provided, single submitter. Criteria: Invitae Variant Classification Sherloc (09022015). Collection method: clinical testing. Allele origin: germline.
Comment: This sequence change replaces aspartic acid, which is acidic and polar, with glycine, which is neutral and non-polar, at codon 974 of the BUB1B protein (p.Asp974Gly). This variant is not present in population databases (gnomAD no frequency). This variant has not been reported in the literature in individuals affected with BUB1B-related conditions. An algorithm developed to predict the effect of missense changes on protein structure and function (PolyPhen-2) suggests that this variant is likely to be tolerated. Algorithms developed to predict the effect of sequence changes on RNA splicing suggest that this variant may disrupt the consensus splice site. In summary, the available evidence is currently insufficient to determine the role of this variant in disease. Therefore, it has been classified as a Variant of Uncertain Significance.